The following is an entry in ClinVar:

NC_000023.10:g.(?_31462588)_(31838210_?)dup

Gene: DMD (dystrophin; minus strand). Cytogenetic location: Xp21.2-21.1.
Variant type: Duplication.
Identifiers: ClinVar variation 1460141 (VCV001460141.1).

ClinVar aggregate classification (germline): Pathogenic (1 of 4 stars; one submission).

Conditions:
Duchenne muscular dystrophy (DMD). Also called: Duchenne Muscular Dystrophy (DMD); MUSCULAR DYSTROPHY, PSEUDOHYPERTROPHIC PROGRESSIVE, DUCHENNE TYPE. Identifiers: Orphanet 98896, MedGen C0013264, MONDO:0010679, OMIM 310200.

Submission:

Labcorp Genetics (formerly Invitae), Labcorp
Classification: Pathogenic for Duchenne muscular dystrophy. Last evaluated: 2021-02-05. Review status: criteria provided, single submitter. Criteria: Invitae Variant Classification Sherloc (09022015). Collection method: clinical testing. Allele origin: germline.
Comment: This variant results in a copy number gain of the genomic region encompassing exon(s) 50-60 of the DMD gene. While the exact position of this variant cannot be determined from the data, sub-genic copy number gains are generally in tandem (PMID: 25640679). This variant is predicted to be in-frame, and likely preserves the integrity of the reading frame. This variant has been observed in individual(s) with Duchenne muscular dystrophy (PMID: 17259292, 19937601, 25482253). Experimental studies and prediction algorithms are not available or were not evaluated, and the functional significance of this variant is currently unknown. For these reasons, this variant has been classified as Pathogenic.

Literature cited by the submitters: PubMed 25640679; PubMed 17259292; PubMed 19937601; PubMed 25482253.